The following is an entry in ClinVar:

NM_001291867.2(NHS):c.1159_1160del (p.Gln387fs)

Gene: NHS (NHS actin remodeling regulator; plus strand). Cytogenetic location: Xp22.13.
Variant type: Microsatellite.
Coding change: c.1159_1160del on transcript NM_001291867.2 (MANE Select); coding-DNA positions 1159 to 1160, 2 bases deleted (CA; older notation c.1159_1160delCA).
Protein change: p.Gln387fs; shifts the reading frame from glutamine 387.
Molecular consequence: frameshift variant.
Genome position (GRCh38, 1-based): chrX:17,724,349-17,724,350, CA deleted; deleting any 2 consecutive bases within chrX:17,724,347-17,724,350 gives the same sequence; the c. name uses the placement nearest the transcript's 3' end. VCF-style (leftmost placement, unchanged base first): chrX-17724346-TCA-T. GRCh37 (hg19) VCF-style: chrX-17742466-TCA-T.
Other names: c.628_629del, p.Gln210fs (NM_001136024.4); c.565_566del, p.Gln189fs (NM_001291868.2); c.820_821del, p.Gln274fs (NM_001440780.1); c.1096_1097del, p.Gln366fs (NM_198270.4); short protein forms Q189fs, Q210fs, Q274fs, Q366fs, Q387fs.
Identifiers: ClinVar variation 4813715 (VCV004813715.1).

ClinVar aggregate classification (germline): Likely pathogenic (1 of 4 stars; one submission).

Conditions:
X-linked NHS-related disorders.

Submission:

Variantyx, Inc.
Classification: Likely pathogenic for X-linked NHS-related disorders. Last evaluated: 2025-05-13. Review status: criteria provided, single submitter. Criteria: Variantyx Assertion Criteria 2022. Collection method: clinical testing. Allele origin: maternal. Inheritance: X-linked dominant inheritance. Affected: yes.
Comment: This is a frameshift variant in the NHS gene (OMIM: 300457). Pathogenic variants in this gene have been associated with X-linked NHS-related disorders. This variant has not been reported in individuals with NHS-related disorders in the databases available for review. This variant introduces a premature termination codon in exon 6 out of 9 and is expected to result in loss of function, which is a known disease mechanism for NHS in this disorder (PMID: 14564667, 19414485) (PVS1). This variant is absent from control populations (PM2). Based on the current evidence, this variant is classified as likely pathogenic for X-linked NHS-related disorders.

Literature cited by the submitters: PubMed 14564667; PubMed 19414485.